The following is an entry in ClinVar:

ClinVar aggregate classification (germline): Uncertain significance (1 of 4 stars; one submission).

Allele frequency attached by ClinVar (database versions not stated): gnomAD exomes 0.00001.
gnomAD v4.1: 5 of 1,614,030 alleles (0.00031%); highest among the groups gnomAD compares: Non-Finnish European, 0.00042%; no homozygotes.

Submission:

Labcorp Genetics (formerly Invitae), Labcorp
Classification: Uncertain significance. Last evaluated: 2022-01-21. Review status: criteria provided, single submitter. Criteria: Invitae Variant Classification Sherloc (09022015). Collection method: clinical testing. Allele origin: germline.
Comment: This sequence change replaces tyrosine, which is neutral and polar, with cysteine, which is neutral and slightly polar, at codon 707 of the MYO5B protein (p.Tyr707Cys). This variant is not present in population databases (gnomAD no frequency). This variant has not been reported in the literature in individuals affected with MYO5B-related conditions. Algorithms developed to predict the effect of missense changes on protein structure and function are either unavailable or do not agree on the potential impact of this missense change (SIFT: "Deleterious"; PolyPhen-2: "Probably Damaging"; Align-GVGD: "Class C0"). In summary, the available evidence is currently insufficient to determine the role of this variant in disease. Therefore, it has been classified as a Variant of Uncertain Significance.

NM_001080467.3(MYO5B):c.2120A>G (p.Tyr707Cys)

Gene: MYO5B (myosin VB; minus strand). Cytogenetic location: 18q21.1.
Variant type: single nucleotide variant.
Coding change: c.2120A>G on transcript NM_001080467.3 (MANE Select); coding-DNA position 2120, A replaced by G.
Protein change: p.Tyr707Cys; replaces tyrosine 707 with cysteine.
Molecular consequence: missense variant.
Genome position (GRCh38, 1-based): chr18:49,912,144, T>C on the plus strand (A>G on the coding strand, the complement: MYO5B is on the minus strand). VCF-style: chr18-49912144-T-C. GRCh37 (hg19) VCF-style: chr18-47438514-T-C.
Other names: short protein forms Y707C.
Identifiers: ClinVar variation 2175671 (VCV002175671.1), dbSNP rs2511284041, ClinGen allele CA402439245.
Genomic context (GRCh38, chr18:49,912,144, plus strand): 5'-GACCTGCAGATGGCCTTTTTGTCTGTGTTGGCGAGCTCTCTCTTCTTGACCAGCACCCGA[T>C]ACCGGTTGAAAAAGTCATGGTAGGCCCACCTGGAGGGAAAGCAAAGGGGCATCAGGTGAC-3'
Protein context (NP_001073936.1, residues 697-717): RWAYHDFFNR[Tyr707Cys]RVLVKKRELA